The following is an entry in ClinVar:

ClinVar aggregate classification (germline): Uncertain significance. Review status: criteria provided, multiple submitters, no conflicts (2 of 4 stars). 2 submissions from 2 submitters: Uncertain significance (2). Last evaluated 2025-12-14.

Conditions:
Inborn genetic diseases. Identifiers: MedGen C0950123, MeSH D030342.

Submissions (2):

Ambry Genetics
Classification: Uncertain significance for Inborn genetic diseases. Last evaluated: 2025-12-14. Review status: criteria provided, single submitter. Criteria: Ambry Variant Classification Scheme 2023. Collection method: clinical testing. Allele origin: germline.
Comment: The p.M190L variant (also known as c.568A>T), located in coding exon 3 of the MBD4 gene, results from an A to T substitution at nucleotide position 568. The methionine at codon 190 is replaced by leucine, an amino acid with highly similar properties. This amino acid position is conserved. In addition, this alteration is predicted to be tolerated by in silico analysis. Based on the available evidence, the clinical significance of this variant remains unclear.

Labcorp Genetics (formerly Invitae), Labcorp
Classification: Uncertain significance. Last evaluated: 2024-06-30. Review status: criteria provided, single submitter. Criteria: Invitae Variant Classification Sherloc (09022015). Collection method: clinical testing. Allele origin: germline.
Comment: This sequence change replaces methionine, which is neutral and non-polar, with leucine, which is neutral and non-polar, at codon 190 of the MBD4 protein (p.Met190Leu). This variant is present in population databases (rs140265312, gnomAD 0.007%). This variant has not been reported in the literature in individuals affected with MBD4-related conditions. An algorithm developed to predict the effect of missense changes on protein structure and function (PolyPhen-2) suggests that this variant is likely to be tolerated. In summary, the available evidence is currently insufficient to determine the role of this variant in disease. Therefore, it has been classified as a Variant of Uncertain Significance.

NM_001276270.2(MBD4):c.568A>T (p.Met190Leu)

Gene: MBD4 (methyl-CpG binding domain 4, DNA glycosylase; minus strand). Cytogenetic location: 3q21.3.
Variant type: single nucleotide variant.
Coding change: c.568A>T on transcript NM_001276270.2 (MANE Select); coding-DNA position 568, A replaced by T.
Protein change: p.Met190Leu; replaces methionine 190 with leucine.
Molecular consequence: missense variant. On other transcripts: intron variant (1).
Genome position (GRCh38, 1-based): chr3:129,437,076, T>A on the plus strand (A>T on the coding strand, the complement: MBD4 is on the minus strand). VCF-style: chr3-129437076-T-A. GRCh37 (hg19) VCF-style: chr3-129155919-T-A.
Other names: c.247+732A>T (NM_001276273.2); c.568A>T, p.Met190Leu (NM_001276271.2, NM_001276272.2, NM_003925.3); short protein forms M190L.
Identifiers: ClinVar variation 3658248 (VCV003658248.3).